The following is an entry in ClinVar:

ClinVar aggregate classification (germline): Uncertain significance. Review status: criteria provided, multiple submitters, no conflicts (2 of 4 stars). 4 submissions from 4 submitters: Uncertain significance (4). Last evaluated 2025-03-25.

Conditions:
Brugada syndrome 8 (BRGDA8). Identifiers: Orphanet 130, MedGen C2751083, MONDO:0013148, OMIM 613123.
Epilepsy, idiopathic generalized, susceptibility to, 18. Identifiers: MedGen C5561983, MONDO:0030434, OMIM 619521.
Sick sinus syndrome 2, autosomal dominant (SSS2). Also called: ATRIAL FIBRILLATION WITH BRADYARRHYTHMIA; SINUS BRADYCARDIA SYNDROME, FAMILIAL, AUTOSOMAL DOMINANT; SINUS NODE DISEASE, FAMILIAL, AUTOSOMAL DOMINANT; SICK SINUS SYNDROME 2; SICK SINUS SYNDROME 2 WITH OR WITHOUT CARDIAC NONCOMPACTION AND/OR ASCENDING AORTA DILATION. Identifiers: Orphanet 166282, MedGen C1834144, MONDO:0008102, OMIM 163800.
Cardiovascular phenotype. Identifiers: MedGen CN230736.

Allele frequency attached by ClinVar (database versions not stated): TOPMed below 0.00001; gnomAD 0.00001.
gnomAD v4.1: 9 of 1,613,782 alleles (0.00056%); highest among the groups gnomAD compares: African/African-American, 0.0027%; no homozygotes.

Submissions (4):

Ambry Genetics
Classification: Uncertain significance for Cardiovascular phenotype. Last evaluated: 2025-03-25. Review status: criteria provided, single submitter. Criteria: Ambry Variant Classification Scheme 2023. Collection method: clinical testing. Allele origin: germline.
Comment: The p.L663M variant (also known as c.1987C>A), located in coding exon 7 of the HCN4 gene, results from a C to A substitution at nucleotide position 1987. The leucine at codon 663 is replaced by methionine, an amino acid with highly similar properties. This amino acid position is conserved. In addition, the in silico prediction for this alteration is inconclusive. Based on the available evidence, the clinical significance of this variant remains unclear.

Labcorp Genetics (formerly Invitae), Labcorp
Classification: Uncertain significance for Brugada syndrome 8. Last evaluated: 2025-03-07. Review status: criteria provided, single submitter. Criteria: Invitae Variant Classification Sherloc (09022015). Collection method: clinical testing. Allele origin: germline.
Comment: This sequence change replaces leucine, which is neutral and non-polar, with methionine, which is neutral and non-polar, at codon 663 of the HCN4 protein (p.Leu663Met). This variant is not present in population databases (gnomAD no frequency). This variant has not been reported in the literature in individuals affected with HCN4-related conditions. ClinVar contains an entry for this variant (Variation ID: 1007466). Invitae Evidence Modeling of protein sequence and biophysical properties (such as structural, functional, and spatial information, amino acid conservation, physicochemical variation, residue mobility, and thermodynamic stability) indicates that this missense variant is expected to disrupt HCN4 protein function with a positive predictive value of 95%. In summary, the available evidence is currently insufficient to determine the role of this variant in disease. Therefore, it has been classified as a Variant of Uncertain Significance.

AiLife Diagnostics
Classification: Uncertain significance. Last evaluated: 2021-10-29. Review status: criteria provided, single submitter. Criteria: ACMG Guidelines, 2015. Collection method: clinical testing. Allele origin: germline. Affected: yes. Observed: 1 variant allele.

Fulgent Genetics
Classification: Uncertain significance for Sick sinus syndrome 2, autosomal dominant; Brugada syndrome 8; Epilepsy, idiopathic generalized, susceptibility to, 18. Last evaluated: 2021-09-13. Review status: criteria provided, single submitter. Criteria: ACMG Guidelines, 2015. Collection method: clinical testing. Allele origin: unknown.

NM_005477.3(HCN4):c.1987C>A (p.Leu663Met)

Gene: HCN4 (hyperpolarization activated cyclic nucleotide gated potassium channel 4; minus strand). Cytogenetic location: 15q24.1.
Variant type: single nucleotide variant.
Coding change: c.1987C>A on transcript NM_005477.3 (MANE Select); coding-DNA position 1987, C replaced by A.
Protein change: p.Leu663Met; replaces leucine 663 with methionine.
Molecular consequence: missense variant.
Genome position (GRCh38, 1-based): chr15:73,324,245, G>T on the plus strand (C>A on the coding strand, the complement: HCN4 is on the minus strand). VCF-style: chr15-73324245-G-T. GRCh37 (hg19) VCF-style: chr15-73616586-G-T.
Other names: c.1987C>A (NM_005477.2); short protein forms L663M.
Identifiers: ClinVar variation 1007466 (VCV001007466.11), dbSNP rs1265876338, ClinGen allele CA393090400.